The following is an entry in ClinVar:

ClinVar aggregate classification (germline): Uncertain significance (1 of 4 stars; one submission).

Conditions:
PRPH2-related disorder. Also called: PRPH2-related condition; PRPH2-related disorders. Identifiers: MedGen CN239395.

Submission:

Labcorp Genetics (formerly Invitae), Labcorp
Classification: Uncertain significance for PRPH2-related disorder. Last evaluated: 2023-07-19. Review status: criteria provided, single submitter. Criteria: Invitae Variant Classification Sherloc (09022015). Collection method: clinical testing. Allele origin: unknown.
Comment: In summary, the available evidence is currently insufficient to determine the role of this variant in disease. Therefore, it has been classified as a Variant of Uncertain Significance. Experimental studies and prediction algorithms are not available or were not evaluated, and the functional significance of this variant is currently unknown. This variant has not been reported in the literature in individuals affected with PRPH2-related conditions. This variant results in a copy number gain of the genomic region encompassing exon(s) 1 of the PRPH2 gene. This region includes the initiator codon of the gene. This copy number gain extends beyond the assayed region for this gene and therefore may encompass additional genes. As the precise location of this event is unknown, it may be in tandem or it may be located elsewhere in the genome.

NC_000006.11:g.(?_42689472)_(42690072_?)dup

Gene: PRPH2 (peripherin 2; minus strand). Cytogenetic location: 6p21.1.
Variant type: Duplication.
Identifiers: ClinVar variation 3246078 (VCV003246078.1).